The following is an entry in ClinVar:

ClinVar aggregate classification (germline): Uncertain significance (1 of 4 stars; one submission).

Conditions:
Hereditary cancer-predisposing syndrome. Also called: Tumor predisposition; Hereditary Cancer Syndrome; Neoplastic Syndromes, Hereditary; Hereditary neoplastic syndrome. Identifiers: Orphanet 140162, MedGen C0027672, MeSH D009386, MONDO:0015356.

Submission:

Ambry Genetics
Classification: Uncertain significance for Hereditary cancer-predisposing syndrome. Last evaluated: 2024-02-22. Review status: criteria provided, single submitter. Criteria: Ambry Variant Classification Scheme 2023. Collection method: clinical testing. Allele origin: germline.
Comment: The p.I86F variant (also known as c.256A>T), located in coding exon 2 of the RET gene, results from an A to T substitution at nucleotide position 256. The isoleucine at codon 86 is replaced by phenylalanine, an amino acid with highly similar properties. This amino acid position is not well conserved in available vertebrate species. In addition, this alteration is predicted to be tolerated by in silico analysis. Based on the available evidence, the clinical significance of this alteration remains unclear.

NM_020975.6(RET):c.256A>T (p.Ile86Phe)

Gene: RET (ret proto-oncogene; plus strand). Cytogenetic location: 10q11.21.
Variant type: single nucleotide variant.
Coding change: c.256A>T on transcript NM_020975.6 (MANE Select); coding-DNA position 256, A replaced by T.
Protein change: p.Ile86Phe; replaces isoleucine 86 with phenylalanine.
Molecular consequence: missense variant.
Genome position (GRCh38, 1-based): chr10:43,100,641, A>T. VCF-style: chr10-43100641-A-T. GRCh37 (hg19) VCF-style: chr10-43596089-A-T.
Other names: c.256A>T, p.Ile86Phe (NM_000323.2, NM_001406743.1, NM_001406744.1 and 34 more transcripts); short protein forms I86F.
Identifiers: ClinVar variation 1793210 (VCV001793210.2), dbSNP rs2132662815, ClinGen allele CA376770422.